The following is an entry in ClinVar:

NM_006073.4(TRDN):c.833T>C (p.Val278Ala)

Gene: TRDN (triadin; minus strand). Cytogenetic location: 6q22.31.
Variant type: single nucleotide variant.
Coding change: c.833T>C on transcript NM_006073.4 (MANE Select); coding-DNA position 833, T replaced by C.
Protein change: p.Val278Ala; replaces valine 278 with alanine.
Molecular consequence: missense variant. On other transcripts: intron variant (1).
Genome position (GRCh38, 1-based): chr6:123,497,213, A>G on the plus strand (T>C on the coding strand, the complement: TRDN is on the minus strand). VCF-style: chr6-123497213-A-G. GRCh37 (hg19) VCF-style: chr6-123818358-A-G.
Other names: c.793+6506T>C (NM_001256020.2); c.833T>C, p.Val278Ala (NM_001251987.2); short protein forms V278A.
Identifiers: ClinVar variation 1349099 (VCV001349099.9), dbSNP rs954714094, ClinGen allele CA147285776.
Genomic context (GRCh38, chr6:123,497,213, plus strand): 5'-GACTATTAAAACAGACAAGTACAAGAATTGCTTGGAATACCTGGTTTTAAATCCCCATGG[A>G]CAAATATGTCAATCATATATCGACAGAATGCATACTGATCTGACAGAGTAGAAAGAAAAA-3'
Protein context (NP_006064.2, residues 268-288): AFCRYMIDIF[Val278Ala]HGDLKPGQSP

ClinVar aggregate classification (germline): Uncertain significance (1 of 4 stars; one submission).

Conditions:
Catecholaminergic polymorphic ventricular tachycardia 1. Also called: VENTRICULAR TACHYCARDIA, CATECHOLAMINERGIC POLYMORPHIC, 1, WITH OR WITHOUT ATRIAL DYSFUNCTION AND/OR DILATED CARDIOMYOPATHY; VENTRICULAR TACHYCARDIA, STRESS-INDUCED POLYMORPHIC 1; RYR2-Related Catecholaminergic Polymorphic Ventricular Tachycardia. Identifiers: Orphanet 3286, MedGen C1631597, MONDO:0011484, OMIM 604772.

Allele frequency attached by ClinVar (database versions not stated): gnomAD exomes below 0.00001; TOPMed 0.00001.
gnomAD v4.1: 1 of 1,559,488 alleles (0.000064%); highest among the groups gnomAD compares: Admixed American, 0.002%; no homozygotes.

Submission:

Labcorp Genetics (formerly Invitae), Labcorp
Classification: Uncertain significance for Catecholaminergic polymorphic ventricular tachycardia 1. Last evaluated: 2021-12-18. Review status: criteria provided, single submitter. Criteria: Invitae Variant Classification Sherloc (09022015). Collection method: clinical testing. Allele origin: germline.
Comment: Algorithms developed to predict the effect of missense changes on protein structure and function output the following: SIFT: "Tolerated"; PolyPhen-2: "Probably Damaging"; Align-GVGD: "Class C0". The alanine amino acid residue is found in multiple mammalian species, which suggests that this missense change does not adversely affect protein function. In summary, the available evidence is currently insufficient to determine the role of this variant in disease. Therefore, it has been classified as a Variant of Uncertain Significance. This variant has not been reported in the literature in individuals affected with TRDN-related conditions. This sequence change replaces valine, which is neutral and non-polar, with alanine, which is neutral and non-polar, at codon 278 of the TRDN protein (p.Val278Ala). The frequency data for this variant in the population databases is considered unreliable, as metrics indicate poor data quality at this position in the gnomAD database.